The following is an entry in ClinVar:

ClinVar aggregate classification (germline): Uncertain significance (1 of 4 stars; one submission).

Conditions:
Curry-Hall syndrome (WAD). Also called: WEYERS ACRODENTAL DYSOSTOSIS. Identifiers: Orphanet 952, MedGen C0457013, MONDO:0008673, OMIM 193530.
Ellis-van Creveld syndrome (EVC). Also called: EVC-Related Ellis-van Creveld Syndrome; EVC2-Related Ellis-van Creveld Syndrome; MESOECTODERMAL DYSPLASIA; Chondroectodermal dysplasia. Identifiers: Orphanet 289, MedGen C0013903, MONDO:0009162, OMIM 225500.

Submission:

Labcorp Genetics (formerly Invitae), Labcorp
Classification: Uncertain significance for Curry-Hall syndrome; Ellis-van Creveld syndrome. Last evaluated: 2024-09-29. Review status: criteria provided, single submitter. Criteria: Invitae Variant Classification Sherloc (09022015). Collection method: clinical testing. Allele origin: germline.
Comment: This sequence change replaces serine, which is neutral and polar, with isoleucine, which is neutral and non-polar, at codon 258 of the EVC2 protein (p.Ser258Ile). This variant is not present in population databases (gnomAD no frequency). This variant has not been reported in the literature in individuals affected with EVC2-related conditions. An algorithm developed to predict the effect of missense changes on protein structure and function outputs the following: PolyPhen-2: "Benign". The isoleucine amino acid residue is found in multiple mammalian species, which suggests that this missense change does not adversely affect protein function. In summary, the available evidence is currently insufficient to determine the role of this variant in disease. Therefore, it has been classified as a Variant of Uncertain Significance.

NM_147127.5(EVC2):c.773G>T (p.Ser258Ile)

Gene: EVC2 (EvC ciliary complex subunit 2; minus strand). Cytogenetic location: 4p16.2.
Variant type: single nucleotide variant.
Coding change: c.773G>T on transcript NM_147127.5 (MANE Select); coding-DNA position 773, G replaced by T.
Protein change: p.Ser258Ile; replaces serine 258 with isoleucine.
Molecular consequence: missense variant.
Genome position (GRCh38, 1-based): chr4:5,685,413, C>A on the plus strand (G>T on the coding strand, the complement: EVC2 is on the minus strand). VCF-style: chr4-5685413-C-A. GRCh37 (hg19) VCF-style: chr4-5687140-C-A.
Other names: c.533G>T, p.Ser178Ile (NM_001166136.2); short protein forms S178I, S258I.
Identifiers: ClinVar variation 3759308 (VCV003759308.2).